The following is an entry in ClinVar:

NM_003680.4(YARS1):c.1373C>T (p.Pro458Leu)

Gene: YARS1 (tyrosyl-tRNA synthetase 1; minus strand). Cytogenetic location: 1p35.1.
Variant type: single nucleotide variant.
Coding change: c.1373C>T on transcript NM_003680.4 (MANE Select); coding-DNA position 1373, C replaced by T.
Protein change: p.Pro458Leu; replaces proline 458 with leucine.
Molecular consequence: missense variant.
Genome position (GRCh38, 1-based): chr1:32,779,485, G>A on the plus strand (C>T on the coding strand, the complement: YARS1 is on the minus strand). VCF-style: chr1-32779485-G-A. GRCh37 (hg19) VCF-style: chr1-33245086-G-A.
Other names: short protein forms P458L.
Identifiers: ClinVar variation 982672 (VCV000982672.5), dbSNP rs762042274, ClinGen allele CA744904.

ClinVar aggregate classification (germline): Uncertain significance. Review status: criteria provided, multiple submitters, no conflicts (2 of 4 stars). 2 submissions from 2 submitters: Uncertain significance (2). Last evaluated 2024-08-28.

Conditions:
Charcot-Marie-Tooth disease dominant intermediate C (CMTDIC). Also called: CHARCOT-MARIE-TOOTH NEUROPATHY, DOMINANT INTERMEDIATE C. Identifiers: Orphanet 100045, MedGen C1842237, MONDO:0012012, OMIM 608323.

Allele frequency attached by ClinVar (database versions not stated): gnomAD exomes 0.00001; TOPMed 0.00001; ExAC 0.00002.
gnomAD v4.1: 12 of 1,614,230 alleles (0.00074%); highest among the groups gnomAD compares: South Asian, 0.0011%; no homozygotes.

Submissions (2):

Labcorp Genetics (formerly Invitae), Labcorp
Classification: Uncertain significance for Charcot-Marie-Tooth disease dominant intermediate C. Last evaluated: 2024-08-28. Review status: criteria provided, single submitter. Criteria: Invitae Variant Classification Sherloc (09022015). Collection method: clinical testing. Allele origin: germline.
Comment: This sequence change replaces proline, which is neutral and non-polar, with leucine, which is neutral and non-polar, at codon 458 of the YARS protein (p.Pro458Leu). This variant is present in population databases (rs762042274, gnomAD 0.003%). This variant has not been reported in the literature in individuals affected with YARS-related conditions. ClinVar contains an entry for this variant (Variation ID: 982672). Invitae Evidence Modeling of protein sequence and biophysical properties (such as structural, functional, and spatial information, amino acid conservation, physicochemical variation, residue mobility, and thermodynamic stability) indicates that this missense variant is expected to disrupt YARS protein function with a positive predictive value of 80%. In summary, the available evidence is currently insufficient to determine the role of this variant in disease. Therefore, it has been classified as a Variant of Uncertain Significance.

Institute of Human Genetics, University of Leipzig Medical Center
Classification: Uncertain significance for Charcot-Marie-Tooth disease dominant intermediate C. Last evaluated: 2019-01-01. Review status: criteria provided, single submitter. Criteria: ACMG Guidelines, 2015. Collection method: clinical testing. Allele origin: unknown. Affected: yes.